The following is an entry in ClinVar:

ClinVar aggregate classification (germline): Uncertain significance (1 of 4 stars; one submission).

Conditions:
Hereditary sensory and autonomic neuropathy type 7. Also called: HSAN VII; Neuropathy, hereditary sensory and autonomic, type VII. Identifiers: Orphanet 391397, MedGen C3809882, MONDO:0014244, OMIM 615548.
Familial episodic pain syndrome with predominantly lower limb involvement. Also called: Episodic pain syndrome, familial, 3. Identifiers: Orphanet 391384, Orphanet 391392, MedGen C3809899, MONDO:0014247, OMIM 615552.

Submission:

Labcorp Genetics (formerly Invitae), Labcorp
Classification: Uncertain significance for Familial episodic pain syndrome with predominantly lower limb involvement; Hereditary sensory and autonomic neuropathy type 7. Last evaluated: 2022-11-14. Review status: criteria provided, single submitter. Criteria: Invitae Variant Classification Sherloc (09022015). Collection method: clinical testing. Allele origin: germline.
Comment: This sequence change replaces valine, which is neutral and non-polar, with phenylalanine, which is neutral and non-polar, at codon 399 of the SCN11A protein (p.Val399Phe). This variant is not present in population databases (gnomAD no frequency). This variant has not been reported in the literature in individuals affected with SCN11A-related conditions. Advanced modeling of protein sequence and biophysical properties (such as structural, functional, and spatial information, amino acid conservation, physicochemical variation, residue mobility, and thermodynamic stability) performed at Invitae indicates that this missense variant is expected to disrupt SCN11A protein function. In summary, the available evidence is currently insufficient to determine the role of this variant in disease. Therefore, it has been classified as a Variant of Uncertain Significance.

NM_001349253.2(SCN11A):c.1195G>T (p.Val399Phe)

Gene: SCN11A (sodium voltage-gated channel alpha subunit 11; minus strand). Cytogenetic location: 3p22.2.
Variant type: single nucleotide variant.
Coding change: c.1195G>T on transcript NM_001349253.2 (MANE Select); coding-DNA position 1195, G replaced by T.
Protein change: p.Val399Phe; replaces valine 399 with phenylalanine.
Molecular consequence: missense variant.
Genome position (GRCh38, 1-based): chr3:38,909,101, C>A on the plus strand (G>T on the coding strand, the complement: SCN11A is on the minus strand). VCF-style: chr3-38909101-C-A. GRCh37 (hg19) VCF-style: chr3-38950592-C-A.
Other names: c.1195G>T, p.Val399Phe (NM_014139.3); short protein forms V399F.
Identifiers: ClinVar variation 2941534 (VCV002941534.3), dbSNP rs2470598148, ClinGen allele CA352168008.